The following is an entry in ClinVar:

ClinVar aggregate classification (germline): Uncertain significance. Review status: criteria provided, multiple submitters, no conflicts (2 of 4 stars). 2 submissions from 2 submitters: Uncertain significance (2). Last evaluated 2025-08-10.

Conditions:
Early Myoclonic Encephalopathy. Identifiers: MedGen C0270855.

Allele frequency attached by ClinVar (database versions not stated): gnomAD 0.00001; gnomAD exomes below 0.00001.
gnomAD v4.1: 2 of 1,613,950 alleles (0.00012%); highest among the groups gnomAD compares: Non-Finnish European, 0.00017%; no homozygotes.

Submissions (2):

Labcorp Genetics (formerly Invitae), Labcorp
Classification: Uncertain significance for Early Myoclonic Encephalopathy. Last evaluated: 2025-08-10. Review status: criteria provided, single submitter. Criteria: Invitae Variant Classification Sherloc (09022015). Collection method: clinical testing. Allele origin: germline.
Comment: This sequence change replaces isoleucine, which is neutral and non-polar, with threonine, which is neutral and polar, at codon 1150 of the JMJD1C protein (p.Ile1150Thr). This variant is present in population databases (no rsID available, gnomAD 0.007%). This variant has not been reported in the literature in individuals affected with JMJD1C-related conditions. ClinVar contains an entry for this variant (Variation ID: 850410). Invitae Evidence Modeling of protein sequence and biophysical properties (such as structural, functional, and spatial information, amino acid conservation, physicochemical variation, residue mobility, and thermodynamic stability) indicates that this missense variant is expected to disrupt JMJD1C protein function with a positive predictive value of 80%. In summary, the available evidence is currently insufficient to determine the role of this variant in disease. Therefore, it has been classified as a Variant of Uncertain Significance.

Ambry Genetics
Classification: Uncertain significance. Last evaluated: 2025-06-24. Review status: criteria provided, single submitter. Criteria: Ambry Variant Classification Scheme 2023. Collection method: clinical testing. Allele origin: germline.

NM_032776.3(JMJD1C):c.3449T>C (p.Ile1150Thr)

Gene: JMJD1C (jumonji domain containing 1C; minus strand). Cytogenetic location: 10q21.3.
Variant type: single nucleotide variant.
Coding change: c.3449T>C on transcript NM_032776.3 (MANE Select); coding-DNA position 3449, T replaced by C.
Protein change: p.Ile1150Thr; replaces isoleucine 1150 with threonine.
Molecular consequence: missense variant. On other transcripts: non-coding transcript variant (1).
Genome position (GRCh38, 1-based): chr10:63,208,220, A>G on the plus strand (T>C on the coding strand, the complement: JMJD1C is on the minus strand). VCF-style: chr10-63208220-A-G. GRCh37 (hg19) VCF-style: chr10-64967980-A-G.
Other names: c.2903T>C, p.Ile968Thr (NM_001282948.2, NM_001318154.2); c.2585T>C, p.Ile862Thr (NM_001318153.2); c.3335T>C, p.Ile1112Thr (NM_001322252.2); c.2792T>C, p.Ile931Thr (NM_001322254.2, NM_001322258.2); c.3449T>C (NM_032776.1); short protein forms I1150T, I1112T, I968T, I862T, I931T.
Identifiers: ClinVar variation 850410 (VCV000850410.10), dbSNP rs1276147767, ClinGen allele CA377041738.